The following is an entry in ClinVar:

NM_006005.3(WFS1):c.1620G>T (p.Trp540Cys)

Gene: WFS1 (wolframin ER transmembrane glycoprotein; plus strand). Cytogenetic location: 4p16.1.
Variant type: single nucleotide variant.
Coding change: c.1620G>T on transcript NM_006005.3 (MANE Select); coding-DNA position 1620, G replaced by T.
Protein change: p.Trp540Cys; replaces tryptophan 540 with cysteine.
Molecular consequence: missense variant.
Genome position (GRCh38, 1-based): chr4:6,301,415, G>T. VCF-style: chr4-6301415-G-T. GRCh37 (hg19) VCF-style: chr4-6303142-G-T.
Other names: c.1620G>T, p.Trp540Cys (NM_001145853.1); short protein forms W540C.
Identifiers: ClinVar variation 1803909 (VCV001803909.2), dbSNP rs1038816435, ClinGen allele CA356176303.

ClinVar aggregate classification (germline): Uncertain significance (1 of 4 stars; one submission).

Conditions:
Wolfram-like syndrome. Also called: HEARING LOSS, PROGRESSIVE, WITH OPTIC ATROPHY AND/OR IMPAIRED GLUCOSE REGULATION. Identifiers: Orphanet 411590, MedGen C3280358, MONDO:0013673, OMIM 614296.
Wolfram syndrome 1 (WFS1). Identifiers: Orphanet 3463, MedGen C4551693, MONDO:0009101, OMIM 222300.

Allele frequency attached by ClinVar (database versions not stated): gnomAD 0.00001.
gnomAD v4.1: 2 of 1,612,344 alleles (0.00012%); highest among the groups gnomAD compares: Non-Finnish European, 0.00017%; no homozygotes.

Submission:

New York Genome Center
Classification: Uncertain significance for Wolfram syndrome 1; Wolfram-like syndrome. Last evaluated: 2020-11-02. Review status: criteria provided, single submitter. Criteria: NYGC Assertion Criteria 2020. Collection method: clinical testing. Allele origin: germline. Observed: 1 heterozygote.
Comment: The c.1620G>T, p.Trp540Cys missense variant identified in WFS1 has not been reported in the literature. This variant is not reported in gnomAD database, indicating this is a rare allele. This substitution occurs at a position that is conserved across species, and in silico analysis predicts this variant is probably damaging to the protein structure/function [PMID: 27268795]. Two allelic variants with different amino acid changes (c.1618T>G, p.Trp540Gly and c.1619G>A, p.Trp540Ter) have been reported in the patients with Wolfram syndrome [PMID: 31391115, 21564155]. Based on the available evidence, the variant c.1620G>T, p.Trp540Cys in the WFS1 gene is classified as a Variant of Uncertain Significance.